The following is an entry in ClinVar:

NM_152328.5(ADSS1):c.193-4995C>A

Gene: ADSS1 (adenylosuccinate synthase 1; plus strand). Cytogenetic location: 14q32.33.
Variant type: single nucleotide variant.
Coding change: c.193-4995C>A on transcript NM_152328.5 (MANE Select); 4995 bases into the intron before coding-DNA position 193, C replaced by A.
Molecular consequence: intron variant. On other transcripts: 5 prime UTR variant (1), missense variant (1).
Genome position (GRCh38, 1-based): chr14:104,730,025, C>A. VCF-style: chr14-104730025-C-A. GRCh37 (hg19) VCF-style: chr14-105196362-C-A.
Other names: c.-595C>A (NM_001320424.1); c.133C>A, p.Gln45Lys (NM_199165.2); short protein forms Q45K.
Identifiers: ClinVar variation 1932850 (VCV001932850.2), dbSNP rs373927889, ClinGen allele CA7373509.

ClinVar aggregate classification (germline): Uncertain significance (1 of 4 stars; one submission).

Allele frequency attached by ClinVar (database versions not stated): TOPMed 0.00001; gnomAD exomes 0.00003; ESP Exome Variant Server 0.00008.
gnomAD v4.1: 38 of 1,590,348 alleles (0.0024%); highest among the groups gnomAD compares: Non-Finnish European, 0.0033%; no homozygotes.

Submission:

Labcorp Genetics (formerly Invitae), Labcorp
Classification: Uncertain significance. Last evaluated: 2022-04-28. Review status: criteria provided, single submitter. Criteria: Invitae Variant Classification Sherloc (09022015). Collection method: clinical testing. Allele origin: germline.
Comment: This sequence change replaces glutamine, which is neutral and polar, with lysine, which is basic and polar, at codon 45 of the ADSSL1 protein (p.Gln45Lys). The frequency data for this variant in the population databases is considered unreliable, as metrics indicate poor data quality at this position in the gnomAD database. This variant has not been reported in the literature in individuals affected with ADSSL1-related conditions. Algorithms developed to predict the effect of missense changes on protein structure and function output the following: SIFT: "Not Available"; PolyPhen-2: "Not Available"; Align-GVGD: "Not Available". The lysine amino acid residue is found in multiple mammalian species, which suggests that this missense change does not adversely affect protein function. In summary, the available evidence is currently insufficient to determine the role of this variant in disease. Therefore, it has been classified as a Variant of Uncertain Significance.